The following is an entry in ClinVar:

ClinVar aggregate classification (germline): Uncertain significance (1 of 4 stars; one submission).

Conditions:
Arginine:glycine amidinotransferase deficiency (CCDS3). Also called: AGAT deficiency; L-Arginine:Glycine Amidinotransferase Deficiency; Creatine deficiency syndrome due to AGAT deficiency; GATM deficiency; L-Arginine:Glycine Amidinotransferase (AGAT) Deficiency; Cerebral creatine deficiency syndrome 3. Identifiers: Orphanet 35704, MedGen C2675179, MONDO:0012996, OMIM 612718.

gnomAD v4.1: 2 of 1,520,008 alleles (0.00013%); highest among the groups gnomAD compares: Non-Finnish European, 0.000088%; no homozygotes.

Submission:

Labcorp Genetics (formerly Invitae), Labcorp
Classification: Uncertain significance for Arginine:glycine amidinotransferase deficiency. Last evaluated: 2025-12-19. Review status: criteria provided, single submitter. Criteria: Invitae Variant Classification Sherloc (09022015). Collection method: clinical testing. Allele origin: germline.
Comment: This sequence change replaces arginine, which is basic and polar, with proline, which is neutral and non-polar, at codon 23 of the GATM protein (p.Arg23Pro). This variant is not present in population databases (gnomAD no frequency). This variant has not been reported in the literature in individuals affected with GATM-related conditions. ClinVar contains an entry for this variant (Variation ID: 1411695). Invitae Evidence Modeling of protein sequence and biophysical properties (such as structural, functional, and spatial information, amino acid conservation, physicochemical variation, residue mobility, and thermodynamic stability) has been performed for this missense variant. However, the output from this modeling did not meet the statistical confidence thresholds required to predict the impact of this variant on GATM protein function. In summary, the available evidence is currently insufficient to determine the role of this variant in disease. Therefore, it has been classified as a Variant of Uncertain Significance.

NM_001482.3(GATM):c.68G>C (p.Arg23Pro)

Genes: GATM (glycine amidinotransferase; minus strand), LOC130056991 (ATAC-STARR-seq lymphoblastoid silent region 6406; plus strand). Cytogenetic location: 15q21.1.
Variant type: single nucleotide variant.
Coding change: c.68G>C on transcript NM_001482.3 (MANE Select); coding-DNA position 68, G replaced by C.
Protein change: p.Arg23Pro; replaces arginine 23 with proline.
Molecular consequence: missense variant. On other transcripts: intron variant (1).
Genome position (GRCh38, 1-based): chr15:45,378,386, C>G on the plus strand (G>C on the coding strand, the complement: GATM is on the minus strand). VCF-style: chr15-45378386-C-G. GRCh37 (hg19) VCF-style: chr15-45670584-C-G.
Other names: c.-318-1567G>C (NM_001321015.2); short protein forms R23P.
Identifiers: ClinVar variation 1411695 (VCV001411695.4), dbSNP rs370155767, ClinGen allele CA392266547.